The following is an entry in ClinVar:

NM_001039111.3(TRIM71):c.648G>A (p.Gln216=)

Gene: TRIM71 (tripartite motif containing 71; plus strand). Cytogenetic location: 3p22.3.
Variant type: single nucleotide variant.
Coding change: c.648G>A on transcript NM_001039111.3 (MANE Select); coding-DNA position 648, G replaced by A.
Protein change: p.Gln216=; no amino-acid change (glutamine 216 retained).
Molecular consequence: synonymous variant.
Genome position (GRCh38, 1-based): chr3:32,818,728, G>A. VCF-style: chr3-32818728-G-A. GRCh37 (hg19) VCF-style: chr3-32860220-G-A.
Identifiers: ClinVar variation 4986819 (VCV004986819.1).

ClinVar aggregate classification (germline): Likely benign (1 of 4 stars; one submission).

Conditions:
TRIM71-related disorder. Also called: TRIM71-related condition.

gnomAD v4.1: 84 of 1,598,930 alleles (0.0053%); highest among the groups gnomAD compares: Non-Finnish European, 0.0066%; no homozygotes.

Submission:

PreventionGenetics, part of Exact Sciences
Classification: Likely benign for TRIM71-related condition. Last evaluated: 2025-11-06. Review status: criteria provided, single submitter. Criteria: ACMG Guidelines, 2015. Collection method: clinical testing. Allele origin: germline.
Comment: This variant is classified as likely benign based on ACMG/AMP sequence variant interpretation guidelines (Richards et al. 2015 PMID: 25741868, with internal and published modifications).